The following is an entry in ClinVar:

ClinVar aggregate classification (germline): Uncertain significance (1 of 4 stars; one submission).

Conditions:
Hereditary nonpolyposis colorectal neoplasms. Identifiers: MedGen C0009405, MeSH D003123.

gnomAD v4.1: 1 of 1,614,190 alleles (0.000062%); highest among the groups gnomAD compares: East Asian, 0.0022%; no homozygotes.

Submission:

Labcorp Genetics (formerly Invitae), Labcorp
Classification: Uncertain significance for Hereditary nonpolyposis colorectal neoplasms. Last evaluated: 2024-08-27. Review status: criteria provided, single submitter. Criteria: Invitae Variant Classification Sherloc (09022015). Collection method: clinical testing. Allele origin: germline.
Comment: This sequence change replaces threonine, which is neutral and polar, with asparagine, which is neutral and polar, at codon 569 of the PMS2 protein (p.Thr569Asn). This variant is not present in population databases (gnomAD no frequency). This variant has not been reported in the literature in individuals affected with PMS2-related conditions. Invitae Evidence Modeling of protein sequence and biophysical properties (such as structural, functional, and spatial information, amino acid conservation, physicochemical variation, residue mobility, and thermodynamic stability) indicates that this missense variant is not expected to disrupt PMS2 protein function with a negative predictive value of 80%. In summary, the available evidence is currently insufficient to determine the role of this variant in disease. Therefore, it has been classified as a Variant of Uncertain Significance.

NM_000535.7(PMS2):c.1706C>A (p.Thr569Asn)

Gene: PMS2 (PMS1 homolog 2, mismatch repair system component; minus strand). Cytogenetic location: 7p22.1.
Variant type: single nucleotide variant.
Coding change: c.1706C>A on transcript NM_000535.7 (MANE Select); coding-DNA position 1706, C replaced by A.
Protein change: p.Thr569Asn; replaces threonine 569 with asparagine.
Molecular consequence: missense variant. On other transcripts: non-coding transcript variant (1), intron variant (1).
Genome position (GRCh38, 1-based): chr7:5,987,059, G>T on the plus strand (C>A on the coding strand, the complement: PMS2 is on the minus strand). VCF-style: chr7-5987059-G-T. GRCh37 (hg19) VCF-style: chr7-6026690-G-T.
Other names: c.773C>A, p.Thr258Asn (NM_001322011.2, NM_001322012.2); c.1538C>A, p.Thr513Asn (NM_001406874.1); c.1397C>A, p.Thr466Asn (NM_001406875.1, NM_001406877.1, NM_001406878.1 and 5 more transcripts); c.1388C>A, p.Thr463Asn (NM_001406876.1, NM_001322007.2, NM_001322008.2 and 2 more transcripts); c.1301C>A, p.Thr434Asn (NM_001406893.1, NM_001406894.1, NM_001406895.1 and 16 more transcripts); c.1241C>A, p.Thr414Asn (NM_001406900.1); c.1232C>A, p.Thr411Asn (NM_001406901.1, NM_001406902.1); c.804-4068C>A (NM_001406912.1); and 13 more; short protein forms T398N, T414N, T461N, T569N, T258N, T378N, T411N, T434N.
Identifiers: ClinVar variation 3663536 (VCV003663536.2).